The following is an entry in ClinVar:

ClinVar aggregate classification (germline): Benign. Review status: criteria provided, multiple submitters, no conflicts (2 of 4 stars). 2 submissions from 2 submitters: Benign (2). Last evaluated 2018-01-13.

Conditions:
Pheochromocytoma. Also called: MAX-Related Hereditary Paraganglioma-Pheochromocytoma Syndrome. Identifiers: Orphanet 29072, MedGen C0031511, MONDO:0008233, OMIM 171300, HP:0002666.

Allele frequency attached by ClinVar (database versions not stated): gnomAD 0.01488 and 0.01776; TOPMed 0.02478; gnomAD exomes 0.03370; 1000 Genomes Project 30x 0.05606; 1000 Genomes Project 0.05871.
gnomAD v4.1: 5,325 of 233,862 alleles (2.3%); highest among the groups gnomAD compares: East Asian, 20%; 419 homozygotes.

Submissions (2):

Illumina Laboratory Services, Illumina
Classification: Benign for Pheochromocytoma. Last evaluated: 2018-01-13. Review status: criteria provided, single submitter. Criteria: ICSL Variant Classification Criteria 13 December 2019. Collection method: clinical testing. Allele origin: germline.
Comment: This variant was observed in the ICSL laboratory as part of a predisposition screen in an ostensibly healthy population. It had not been previously curated by ICSL or reported in the Human Gene Mutation Database (HGMD: prior to June 1st, 2018), and was therefore a candidate for classification through an automated scoring system. Utilizing variant allele frequency, disease prevalence and penetrance estimates, and inheritance mode, an automated score was calculated to assess if this variant is too frequent to cause the disease. Based on the score and internal cut-off values, a variant classified as benign is not then subjected to further curation. The score for this variant resulted in a classification of benign for this disease.

Breakthrough Genomics
Classification: Benign. Review status: criteria provided, single submitter. Criteria: ACMG Guidelines, 2015. Collection method: not provided. Allele origin: germline. Inheritance: Autosomal dominant inheritance. Affected: yes.

NM_017849.4(TMEM127):c.*1301T>C

Gene: TMEM127 (transmembrane protein 127; minus strand). Cytogenetic location: 2q11.2.
Variant type: single nucleotide variant.
Coding change: c.*1301T>C on transcript NM_017849.4 (MANE Select); 1301 bases downstream of the stop codon, T replaced by C.
Molecular consequence: 3 prime UTR variant.
Genome position (GRCh38, 1-based): chr2:96,252,507, A>G on the plus strand (T>C on the coding strand, the complement: TMEM127 is on the minus strand). VCF-style: chr2-96252507-A-G. GRCh37 (hg19) VCF-style: chr2-96918245-A-G.
Other names: c.*1301T>C (NM_001193304.3).
Identifiers: ClinVar variation 337484 (VCV000337484.6), dbSNP rs3770239, ClinGen allele CA10614171.